The following is an entry in ClinVar:

ClinVar aggregate classification (germline): Likely pathogenic (1 of 4 stars; one submission).

Conditions:
Venous malformation (VM). Identifiers: MedGen C2937220, HP:0012721. Disease mechanism: gain of function.

Submission:

Clinical Genomics Laboratory, Washington University in St. Louis
Classification: Likely pathogenic for Venous malformation. Last evaluated: 2025-08-02. Review status: criteria provided, single submitter. Criteria: Leon-Quintero et al. (Clin Genet. 2025). Collection method: clinical testing. Allele origin: somatic. Affected: yes.
Comment: A TEK c.3330_3334del (p.Lys1110Asnfs*6) variant was identified at an allelic fraction consistent with somatic origin. It causes a frameshift by deleting 5 nucleotides, leading to a premature termination codon; however, because this occurs in the last exon, this is not predicted to lead to nonsense mediated decay. This exact variant, to our knowledge, has not been reported in the medical literature but many similar nonsense and frameshift variants in this region have been identified in individuals with vascular anomalies (Cao Y et al., PMID: 39669237; Ghasemi R et al., PMID: 39632338; Nätynki M et al., PMID: 26319232). It is absent from the general population (gnomAD v4.1.0), indicating it is not a common variant. The TEK c.3330_3334del (p.Lys1110Asnfs*6) variant resides within the C-terminus of TIE2, that is a critical functional domain (Shewchuk LM et al., PMID: 11080633). Based on available information and an internally developed protocol informed by the ACMG/AMP guidelines for variant interpretation and gene-specific practices from the ClinGen Criteria Specification Registry (Leon-Quintero FZ et al., PMID: 39434542), the TEK c.3330_3334del (p.Lys1110Asnfs*6) variant is classified as likely pathogenic.

NM_000459.5(TEK):c.3330_3334del (p.Lys1110fs)

Gene: TEK (TEK receptor tyrosine kinase; plus strand). Cytogenetic location: 9p21.2.
Variant type: Deletion.
Coding change: c.3330_3334del on transcript NM_000459.5 (MANE Select); coding-DNA positions 3330 to 3334, 5 bases deleted (GTTTA; older notation c.3330_3334delGTTTA).
Protein change: p.Lys1110fs; shifts the reading frame from lysine 1110.
Molecular consequence: frameshift variant.
Genome position (GRCh38, 1-based): chr9:27,229,187-27,229,191, GTTTA deleted; deleting any 5 consecutive bases within chr9:27,229,186-27,229,191 gives the same sequence; the c. name uses the placement nearest the transcript's 3' end. VCF-style (leftmost placement, unchanged base first): chr9-27229185-AAGTTT-A. GRCh37 (hg19) VCF-style: chr9-27229183-AAGTTT-A.
Other names: c.3201_3205del, p.Lys1067fs (NM_001290077.2); c.2886_2890del, p.Lys962fs (NM_001290078.2); c.3327_3331del, p.Lys1109fs (NM_001375475.1); c.3198_3202del, p.Lys1066fs (NM_001375476.1); short protein forms K1066fs, K1067fs, K1109fs, K1110fs, K962fs.
Identifiers: ClinVar variation 4279989 (VCV004279989.1).